The following is an entry in ClinVar:

ClinVar aggregate classification (germline): Uncertain significance. Review status: criteria provided, multiple submitters, no conflicts (2 of 4 stars). 2 submissions from 2 submitters: Uncertain significance (2). Last evaluated 2025-10-15.

Conditions:
Familial thoracic aortic aneurysm and aortic dissection (TAAD). Also called: Thoracic aortic aneurysms and dissections. Identifiers: Orphanet 91387, MedGen C4707243, MONDO:0019625.

Submissions (2):

Labcorp Genetics (formerly Invitae), Labcorp
Classification: Uncertain significance for Familial thoracic aortic aneurysm and aortic dissection. Last evaluated: 2025-10-15. Review status: criteria provided, single submitter. Criteria: Invitae Variant Classification Sherloc (09022015). Collection method: clinical testing. Allele origin: germline.
Comment: This sequence change replaces valine, which is neutral and non-polar, with phenylalanine, which is neutral and non-polar, at codon 197 of the TGFBR1 protein (p.Val197Phe). This variant is not present in population databases (gnomAD no frequency). This variant has not been reported in the literature in individuals affected with TGFBR1-related conditions. ClinVar contains an entry for this variant (Variation ID: 2428749). Invitae Evidence Modeling of protein sequence and biophysical properties (such as structural, functional, and spatial information, amino acid conservation, physicochemical variation, residue mobility, and thermodynamic stability) indicates that this missense variant is expected to disrupt TGFBR1 protein function with a positive predictive value of 80%. Algorithms developed to predict the effect of sequence changes on RNA splicing suggest that this variant may disrupt the consensus splice site. In summary, the available evidence is currently insufficient to determine the role of this variant in disease. Therefore, it has been classified as a Variant of Uncertain Significance.

ARUP Laboratories, Molecular Genetics and Genomics, ARUP Laboratories
Classification: Uncertain significance. Last evaluated: 2022-09-15. Review status: criteria provided, single submitter. Criteria: ARUP Molecular Germline Variant Investigation Process 2021. Collection method: clinical testing. Allele origin: germline.
Comment: The TGFBR1 c.589G>T; p.Val197Phe variant, to our knowledge, is not reported in the medical literature or gene specific databases. This variant is also absent from the Genome Aggregation Database, indicating it is not a common polymorphism. The valine at codon 197 is highly conserved, and computational analyses predict that this variant is deleterious (REVEL: 0.952). However, given the lack of clinical and functional data, the significance of this variant is uncertain at this time.

NM_004612.4(TGFBR1):c.589G>T (p.Val197Phe)

Gene: TGFBR1 (transforming growth factor beta receptor 1; plus strand). Cytogenetic location: 9q22.33.
Variant type: single nucleotide variant.
Coding change: c.589G>T on transcript NM_004612.4 (MANE Select); coding-DNA position 589, G replaced by T.
Protein change: p.Val197Phe; replaces valine 197 with phenylalanine.
Molecular consequence: missense variant.
Genome position (GRCh38, 1-based): chr9:99,137,873, G>T. VCF-style: chr9-99137873-G-T. GRCh37 (hg19) VCF-style: chr9-101900155-G-T.
Other names: c.358G>T, p.Val120Phe (NM_001130916.3); c.601G>T, p.Val201Phe (NM_001306210.2, NM_001407416.1); c.589G>T, p.Val197Phe (NM_001407417.1); c.394G>T, p.Val132Phe (NM_001407418.1, NM_001407419.1, NM_001407420.1 and 1 more transcripts); c.382G>T, p.Val128Phe (NM_001407423.1, NM_001407424.1, NM_001407425.1 and 8 more transcripts); c.343G>T, p.Val115Phe (NM_001407436.1); c.112G>T, p.Val38Phe (NM_001407438.1); short protein forms V115F, V120F, V128F, V132F, V197F, V201F, V38F.
Identifiers: ClinVar variation 2428749 (VCV002428749.4), dbSNP rs2118708036, ClinGen allele CA374229318.